The following is an entry in ClinVar:

ClinVar aggregate classification (germline): Conflicting classifications of pathogenicity. Review status: criteria provided, conflicting classifications (1 of 4 stars). 5 submissions from 5 submitters: Uncertain significance (4); Likely benign (1). Last evaluated 2025-12-24.

Conditions:
Hereditary nonpolyposis colorectal neoplasms. Identifiers: MedGen C0009405, MeSH D003123.
Hereditary cancer-predisposing syndrome. Also called: Tumor predisposition; Hereditary Cancer Syndrome; Hereditary neoplastic syndrome; Neoplastic Syndromes, Hereditary. Identifiers: Orphanet 140162, MedGen C0027672, MeSH D009386, MONDO:0015356.
Lynch syndrome. Identifiers: Orphanet 144, MedGen C4552100, MONDO:0005835. Disease mechanism: loss of function.

gnomAD v4.1: 4 of 1,614,148 alleles (0.00025%); highest among the groups gnomAD compares: Non-Finnish European, 0.00025%; no homozygotes.

Submissions (5):

Labcorp Genetics (formerly Invitae), Labcorp
Classification: Likely benign for Hereditary nonpolyposis colorectal neoplasms. Last evaluated: 2025-12-24. Review status: criteria provided, single submitter. Criteria: Invitae Variant Classification Sherloc (09022015). Collection method: clinical testing. Allele origin: germline.

Ambry Genetics
Classification: Uncertain significance for Hereditary cancer-predisposing syndrome. Last evaluated: 2025-07-28. Review status: criteria provided, single submitter. Criteria: Ambry Variant Classification Scheme 2023. Collection method: clinical testing. Allele origin: germline.
Comment: The p.L540V variant (also known as c.1618C>G), located in coding exon 4 of the MSH6 gene, results from a C to G substitution at nucleotide position 1618. The leucine at codon 540 is replaced by valine, an amino acid with highly similar properties. This amino acid position is highly conserved in available vertebrate species. In addition, the in silico prediction for this alteration is inconclusive. Since supporting evidence is limited at this time, the clinical significance of this alteration remains unclear.

GeneDx
Classification: Uncertain significance. Last evaluated: 2024-09-11. Review status: criteria provided, single submitter. Criteria: GeneDx Variant Classification Process June 2021. Collection method: clinical testing. Allele origin: germline. Affected: yes.
Comment: Not observed at significant frequency in large population cohorts (gnomAD); In silico analysis indicates that this missense variant does not alter protein structure/function; Has not been previously published as pathogenic or benign to our knowledge; This variant is associated with the following publications: (PMID: 27923066, 17531815, 21120944)

All of Us Research Program, National Institutes of Health
Classification: Uncertain significance for Lynch syndrome. Last evaluated: 2024-07-10. Review status: criteria provided, single submitter. Criteria: ACMG Guidelines, 2015. Collection method: clinical testing. Allele origin: germline. Inheritance: Autosomal dominant inheritance. Observed: 2 variant alleles, 2 heterozygotes.
Comment: This missense variant replaces leucine with valine at codon 540 of the MSH6 protein. Computational prediction is inconclusive regarding the impact of this variant on protein structure and function (internally defined REVEL score threshold 0.5 < inconclusive < 0.7, PMID: 27666373). To our knowledge, functional studies have not been reported for this variant. This variant has not been reported in individuals affected with hereditary cancer in the literature. This variant has been identified in 2/251312 chromosomes in the general population by the Genome Aggregation Database (gnomAD). The available evidence is insufficient to determine the role of this variant in disease conclusively. Therefore, this variant is classified as a Variant of Uncertain Significance.

This study involves interpretation of variants in research participants for the purpose of population health screening. Participant phenotype was not available at the time of variant classification. Additional details can be found in publication PMID: 35346344, PMCID: PMC8962531

Color Diagnostics, LLC DBA Color Health
Classification: Uncertain significance for Hereditary cancer-predisposing syndrome. Last evaluated: 2024-06-13. Review status: criteria provided, single submitter. Criteria: ACMG Guidelines, 2015. Collection method: clinical testing. Allele origin: germline.
Comment: This missense variant replaces leucine with valine at codon 540 of the MSH6 protein. Computational prediction is inconclusive regarding the impact of this variant on protein structure and function (internally defined REVEL score threshold 0.5 < inconclusive < 0.7, PMID: 27666373). To our knowledge, functional studies have not been reported for this variant. This variant has not been reported in individuals affected with hereditary cancer in the literature. This variant has been identified in 2/251312 chromosomes in the general population by the Genome Aggregation Database (gnomAD). The available evidence is insufficient to determine the role of this variant in disease conclusively. Therefore, this variant is classified as a Variant of Uncertain Significance.

NM_000179.3(MSH6):c.1618C>G (p.Leu540Val)

Gene: MSH6 (mutS homolog 6; plus strand). Cytogenetic location: 2p16.3.
Variant type: single nucleotide variant.
Coding change: c.1618C>G on transcript NM_000179.3 (MANE Select); coding-DNA position 1618, C replaced by G.
Protein change: p.Leu540Val; replaces leucine 540 with valine.
Molecular consequence: missense variant.
Genome position (GRCh38, 1-based): chr2:47,799,601, C>G. VCF-style: chr2-47799601-C-G. GRCh37 (hg19) VCF-style: chr2-48026740-C-G.
Other names: p.L540V:CTT>GTT; c.1228C>G, p.Leu410Val (NM_001281492.2); c.712C>G, p.Leu238Val (NM_001281493.2, NM_001281494.2); short protein forms L540V, L238V, L410V.
Identifiers: ClinVar variation 182622 (VCV000182622.22), dbSNP rs201996928, ClinGen allele CA008916.